The following is an entry in ClinVar:

ClinVar aggregate classification (germline): Uncertain significance (1 of 4 stars; one submission).

Submission:

Women's Health and Genetics/Laboratory Corporation of America, LabCorp
Classification: Uncertain significance. Last evaluated: 2024-10-25. Review status: criteria provided, single submitter. Criteria: LabCorp Variant Classification Summary - May 2015. Collection method: clinical testing. Allele origin: germline.
Comment: Variant summary: USH2A c.4492C>G (p.Pro1498Ala) results in a non-conservative amino acid change in the encoded protein sequence. Four of five in-silico tools predict a damaging effect of the variant on protein function. The variant was absent in 250650 control chromosomes (gnomAD). The available data on variant occurrences in the general population are insufficient to allow any conclusion about variant significance. c.4492C>G has been reported in the literature in at least one individual affected with Usher Syndrome (Xiong_2019, Chen_2022, Wu_2023), however this individual also carried other missense variants, with ambiguous reported phases. These report(s) do not provide unequivocal conclusions about association of the variant with Usher Syndrome. To our knowledge, no experimental evidence demonstrating an impact on protein function has been reported. The following publications have been ascertained in the context of this evaluation (PMID: 31031587, 34800434, 36918699). No submitters have cited clinical-significance assessments for this variant to ClinVar. Based on the evidence outlined above, the variant was classified as uncertain significance.

Literature cited by the submitters: PubMed 34800434; PubMed 31031587; PubMed 36918699.

NM_206933.4(USH2A):c.4492C>G (p.Pro1498Ala)

Gene: USH2A (usherin; minus strand). Cytogenetic location: 1q41.
Variant type: single nucleotide variant.
Coding change: c.4492C>G on transcript NM_206933.4 (MANE Select); coding-DNA position 4492, C replaced by G.
Protein change: p.Pro1498Ala; replaces proline 1498 with alanine.
Molecular consequence: missense variant.
Genome position (GRCh38, 1-based): chr1:216,175,387, G>C on the plus strand (C>G on the coding strand, the complement: USH2A is on the minus strand). VCF-style: chr1-216175387-G-C. GRCh37 (hg19) VCF-style: chr1-216348729-G-C.
Other names: c.4492C>G, p.Pro1498Ala (NM_007123.6); short protein forms P1498A.
Identifiers: ClinVar variation 3385082 (VCV003385082.1).
Genomic context (GRCh38, chr1:216,175,387, plus strand): 5'-TCATCATCGTGGTCATCAGAGCTGGTAGAGATGACTCTCTCCTTTCCAGCTGATATATAG[G>C]AGAGGGTCCATTCAGTTCTTCAGGTGGAAACCACCTAAGATGGATTGTTGTGCTGTTGAT-3'
Protein context (NP_996816.3, residues 1488-1508): FPPEELNGPS[Pro1498Ala]IYQLERRESS